The following is an entry in ClinVar:

ClinVar aggregate classification (germline): Likely benign (0 of 4 stars; one submission).

Conditions:
APBB1-related disorder. Also called: APBB1-related condition.

Allele frequency attached by ClinVar (database versions not stated): 1000 Genomes Project 0.00100; TOPMed 0.00218; gnomAD 0.00231; ExAC 0.00239; ESP Exome Variant Server 0.00285; gnomAD exomes 0.00290.
gnomAD v4.1: 4,596 of 1,610,748 alleles (0.29%); highest among the groups gnomAD compares: Non-Finnish European, 0.33%; 6 homozygotes.

Submission:

PreventionGenetics, part of Exact Sciences
Classification: Likely benign for APBB1-related condition. Last evaluated: 2022-04-20. Review status: no assertion criteria provided. Collection method: clinical testing. Allele origin: germline.
Comment: This variant is classified as likely benign based on ACMG/AMP sequence variant interpretation guidelines (Richards et al. 2015 PMID: 25741868, with internal and published modifications).

NM_001164.5(APBB1):c.489T>G (p.Asp163Glu)

Gene: APBB1 (amyloid beta precursor protein binding family B member 1; minus strand). Cytogenetic location: 11p15.4.
Variant type: single nucleotide variant.
Coding change: c.489T>G on transcript NM_001164.5 (MANE Select); coding-DNA position 489, T replaced by G.
Protein change: p.Asp163Glu; replaces aspartic acid 163 with glutamic acid.
Molecular consequence: missense variant. On other transcripts: non-coding transcript variant (1).
Genome position (GRCh38, 1-based): chr11:6,410,859, A>C on the plus strand (T>G on the coding strand, the complement: APBB1 is on the minus strand). VCF-style: chr11-6410859-A-C. GRCh37 (hg19) VCF-style: chr11-6432089-A-C.
Other names: c.489T>G, p.Asp163Glu (NM_145689.3); short protein forms D163E.
Identifiers: ClinVar variation 3038765 (VCV003038765.2), dbSNP rs150119080, ClinGen allele CA5853638.